The following is an entry in ClinVar:

NM_206933.4(USH2A):c.997_998delinsA (p.Ser333fs)

Gene: USH2A (usherin; minus strand). Cytogenetic location: 1q41.
Variant type: Indel.
Coding change: c.997_998delinsA on transcript NM_206933.4 (MANE Select); coding-DNA positions 997 to 998, TC replaced by A.
Protein change: p.Ser333fs; shifts the reading frame from serine 333.
Molecular consequence: frameshift variant.
Genome position (GRCh38, 1-based): chr1:216,325,450-216,325,451, GA replaced by T on the plus strand (TC replaced by A on the coding strand, the reverse complement: USH2A is on the minus strand). VCF-style: chr1-216325450-GA-T. GRCh37 (hg19) VCF-style: chr1-216498792-GA-T.
Other names: c.997_998delinsA, p.Ser333fs (NM_007123.6); short protein forms S333fs.
Identifiers: ClinVar variation 1725175 (VCV001725175.2), dbSNP rs2527440081, ClinGen allele CA2580062227.

ClinVar aggregate classification (germline): Likely pathogenic (1 of 4 stars; one submission).

Conditions:
Usher syndrome type 2A. Also called: RETINAL DISEASE IN USHER SYNDROME TYPE IIA, MODIFIER OF; USHER SYNDROME, TYPE IIA. Identifiers: Orphanet 231178, Orphanet 886, MedGen C1848634, MONDO:0010169, OMIM 276901.

Submission:

Myriad Genetics, Inc.
Classification: Likely pathogenic for Usher syndrome type 2A. Last evaluated: 2022-03-14. Review status: criteria provided, single submitter. Criteria: Myriad Women's Health Autosomal Recessive and X-Linked Classification Criteria (2021). Collection method: clinical testing. Allele origin: unknown.
Comment: NM_206933.2(USH2A):c.997_998delTCinsA(S333Nfs*3) is expected to be pathogenic in the context of USH2A-related disorders. This variant is predicted to lead to an abnormal or absent protein product due to the creation of a premature termination codon in USH2A, a gene where loss-of-function variants are known to be pathogenic. Please note: this variant was assessed in the context of healthy population screening.